The following is an entry in ClinVar:

NM_182643.3(DLC1):c.3009C>G (p.His1003Gln)

Gene: DLC1 (DLC1 Rho GTPase activating protein; minus strand). Cytogenetic location: 8p22.
Variant type: single nucleotide variant.
Coding change: c.3009C>G on transcript NM_182643.3 (MANE Select); coding-DNA position 3009, C replaced by G.
Protein change: p.His1003Gln; replaces histidine 1003 with glutamine.
Molecular consequence: missense variant.
Genome position (GRCh38, 1-based): chr8:13,098,557, G>C on the plus strand (C>G on the coding strand, the complement: DLC1 is on the minus strand). VCF-style: chr8-13098557-G-C. GRCh37 (hg19) VCF-style: chr8-12956066-G-C.
Other names: c.1935C>G, p.His645Gln (NM_001413132.1); c.1476C>G, p.His492Gln (NM_001413133.1, NM_001413138.1, NM_001164271.2 and 6 more transcripts); c.1698C>G, p.His566Gln (NM_001413135.1, NM_001413136.1, NM_001413139.1 and 1 more transcripts); c.1449C>G, p.His483Gln (NM_001413137.1, NM_001413131.1); c.1833C>G, p.His611Gln (NM_001413140.1); c.1800C>G, p.His600Gln (NM_001316668.2, NM_001413129.1); c.3009C>G, p.His1003Gln (NM_001348081.2, NM_001413124.1); c.1791C>G, p.His597Gln (NM_001413130.1); short protein forms H492Q, H600Q, H611Q, H1003Q, H483Q, H566Q, H597Q, H645Q.
Identifiers: ClinVar variation 2841958 (VCV002841958.3), dbSNP rs368826705, ClinGen allele CA370343882.

ClinVar aggregate classification (germline): Uncertain significance (1 of 4 stars; one submission).

Submission:

Labcorp Genetics (formerly Invitae), Labcorp
Classification: Uncertain significance. Last evaluated: 2023-03-30. Review status: criteria provided, single submitter. Criteria: Invitae Variant Classification Sherloc (09022015). Collection method: clinical testing. Allele origin: germline.
Comment: This variant is not present in population databases (gnomAD no frequency). This sequence change replaces histidine, which is basic and polar, with glutamine, which is neutral and polar, at codon 1003 of the DLC1 protein (p.His1003Gln). In summary, the available evidence is currently insufficient to determine the role of this variant in disease. Therefore, it has been classified as a Variant of Uncertain Significance. An algorithm developed to predict the effect of missense changes on protein structure and function (PolyPhen-2) suggests that this variant is likely to be disruptive. This variant has not been reported in the literature in individuals affected with DLC1-related conditions.